The following is an entry in ClinVar:

ClinVar aggregate classification (germline): Uncertain significance (1 of 4 stars; one submission).

Allele frequency attached by ClinVar (database versions not stated): gnomAD 0.00001; gnomAD exomes 0.00001 and 0.00002; ExAC 0.00002.

Submission:

Labcorp Genetics (formerly Invitae), Labcorp
Classification: Uncertain significance. Last evaluated: 2022-06-20. Review status: criteria provided, single submitter. Criteria: Invitae Variant Classification Sherloc (09022015). Collection method: clinical testing. Allele origin: germline.
Comment: This sequence change replaces asparagine, which is neutral and polar, with serine, which is neutral and polar, at codon 517 of the GPAA1 protein (p.Asn517Ser). This variant is present in population databases (rs782299927, gnomAD 0.003%). This variant has not been reported in the literature in individuals affected with GPAA1-related conditions. Algorithms developed to predict the effect of missense changes on protein structure and function are either unavailable or do not agree on the potential impact of this missense change (SIFT: "Deleterious"; PolyPhen-2: "Probably Damaging"; Align-GVGD: "Class C0"). Algorithms developed to predict the effect of sequence changes on RNA splicing suggest that this variant may create or strengthen a splice site. In summary, the available evidence is currently insufficient to determine the role of this variant in disease. Therefore, it has been classified as a Variant of Uncertain Significance.

NM_003801.4(GPAA1):c.1550A>G (p.Asn517Ser)

Gene: GPAA1 (glycosylphosphatidylinositol anchor attachment 1; plus strand). Cytogenetic location: 8q24.3.
Variant type: single nucleotide variant.
Coding change: c.1550A>G on transcript NM_003801.4 (MANE Select); coding-DNA position 1550, A replaced by G.
Protein change: p.Asn517Ser; replaces asparagine 517 with serine.
Molecular consequence: missense variant.
Genome position (GRCh38, 1-based): chr8:144,085,671, A>G. VCF-style: chr8-144085671-A-G. GRCh37 (hg19) VCF-style: chr8-145140574-A-G.
Other names: short protein forms N517S.
Identifiers: ClinVar variation 1361961 (VCV001361961.5), dbSNP rs782299927, ClinGen allele CA4933194.